The following is an entry in ClinVar:

ClinVar aggregate classification (germline): Likely benign. Review status: criteria provided, single submitter (1 of 4 stars). 2 submissions from 2 submitters: Likely benign (1). 1 of the submissions does not count toward it. Last evaluated 2025-04-17.

Conditions:
SCLT1-related disorder. Also called: SCLT1-related condition.

gnomAD v4.1: 1 of 1,611,864 alleles (0.000062%); highest among the groups gnomAD compares: Admixed American, 0.0017%; no homozygotes.

Submissions (2):

Labcorp Genetics (formerly Invitae), Labcorp
Classification: Likely benign. Last evaluated: 2025-04-17. Review status: criteria provided, single submitter. Criteria: Invitae Variant Classification Sherloc (09022015). Collection method: clinical testing. Allele origin: germline.

PreventionGenetics, part of Exact Sciences
Classification: Likely benign for SCLT1-related condition. Last evaluated: 2024-09-25. Review status: no assertion criteria provided. Collection method: clinical testing. Allele origin: germline. Not counted in ClinVar's aggregate classification.
Comment: This variant is classified as likely benign based on ACMG/AMP sequence variant interpretation guidelines (Richards et al. 2015 PMID: 25741868, with internal and published modifications).

NM_144643.4(SCLT1):c.333G>A (p.Glu111=)

Gene: SCLT1 (sodium channel and clathrin linker 1; minus strand). Cytogenetic location: 4q28.2.
Variant type: single nucleotide variant.
Coding change: c.333G>A on transcript NM_144643.4 (MANE Select); coding-DNA position 333, G replaced by A.
Protein change: p.Glu111=; no amino-acid change (glutamic acid 111 retained).
Molecular consequence: synonymous variant.
Genome position (GRCh38, 1-based): chr4:129,003,834, C>T on the plus strand (G>A on the coding strand, the complement: SCLT1 is on the minus strand). VCF-style: chr4-129003834-C-T. GRCh37 (hg19) VCF-style: chr4-129924989-C-T.
Other names: c.333G>A, p.Glu111= (NM_001410807.1).
Identifiers: ClinVar variation 3345608 (VCV003345608.2).
Genomic context (GRCh38, chr4:129,003,834, plus strand): 5'-TCTGACTGTTTCATCATCTGCATATATGTCAGTTCCTACCTCTGTGCCCAGGGGAAAGGC[C>T]TCCAATTTTTTTTCAACAGCATCTTTTAATTCACTGTGCAACCTTTGAAACAAATAGTTA-3'
Protein context (NP_653244.2, residues 101-121): ELKDAVEKKL[Glu111=]AFPLGTEVGT